The following is an entry in ClinVar:

NM_001844.5(COL2A1):c.3274-9_3274-6del

Gene: COL2A1 (collagen type II alpha 1 chain; minus strand). Cytogenetic location: 12q13.11.
Variant type: Microsatellite.
Coding change: c.3274-9_3274-6del on transcript NM_001844.5 (MANE Select); 9 bases into the intron before coding-DNA position 3274 through 6 bases into the intron before coding-DNA position 3274, 4 bases deleted (TCTC; older notation c.3274-9_3274-6delTCTC).
Molecular consequence: intron variant.
Genome position (GRCh38, 1-based): chr12:47,977,161-47,977,164, GAGA deleted on the plus strand (TCTC on the coding strand, the reverse complement: COL2A1 is on the minus strand); deleting any 4 consecutive bases within chr12:47,977,161-47,977,167 gives the same sequence; the c. name uses the placement nearest the transcript's 3' end. VCF-style (leftmost placement, unchanged base first): chr12-47977160-GGAGA-G. GRCh37 (hg19) VCF-style: chr12-48370943-GGAGA-G.
Other names: c.3274-9_3274-6delTCTC (NM_001844.4); c.3067-9_3067-6del (NM_033150.3).
Identifiers: ClinVar variation 450117 (VCV000450117.3), dbSNP rs1555165173, ClinGen allele CA658658149.

ClinVar aggregate classification (germline): Uncertain significance (1 of 4 stars; one submission).

Conditions:
COL2A1-related disorder. Also called: COL2A1-related condition; COL2A1-related disorders.

Submission:

GeneDx
Classification: Uncertain significance. Last evaluated: 2017-06-26. Review status: criteria provided, single submitter. Criteria: GeneDx Variant Classification (06012015). Collection method: clinical testing. Allele origin: germline. Affected: yes.
Comment: The c.3274-9_3274-6delTCTC variant in the COL2A1 gene has not been reported previously as a pathogenic variant nor as a benign variant, to our knowledge. This variant reduces the quality of the splice acceptor site in intron 46, and may cause abnormal gene splicing. The c.3274-9_3274-6delTCTC variant is not observed in large population cohorts (Lek et al., 2016; 1000 Genomes Consortium et al., 2015; Exome Variant Server). We interpret c.3274-9_3274-6delTCTC as a variant of uncertain significance,